The following is an entry in ClinVar:

NM_002691.4(POLD1):c.461C>T (p.Pro154Leu)

Gene: POLD1 (DNA polymerase delta 1, catalytic subunit; plus strand). Cytogenetic location: 19q13.33.
Variant type: single nucleotide variant.
Coding change: c.461C>T on transcript NM_002691.4 (MANE Select); coding-DNA position 461, C replaced by T.
Protein change: p.Pro154Leu; replaces proline 154 with leucine.
Molecular consequence: missense variant. On other transcripts: non-coding transcript variant (1).
Genome position (GRCh38, 1-based): chr19:50,401,922, C>T. VCF-style: chr19-50401922-C-T. GRCh37 (hg19) VCF-style: chr19-50905179-C-T.
Other names: c.461C>T, p.Pro154Leu (NM_001256849.1, NM_001308632.1); short protein forms P154L.
Identifiers: ClinVar variation 3421954 (VCV003421954.1).

ClinVar aggregate classification (germline): Uncertain significance (1 of 4 stars; one submission).

Conditions:
Hereditary cancer-predisposing syndrome. Also called: Neoplastic Syndromes, Hereditary; Tumor predisposition; Hereditary Cancer Syndrome; Hereditary neoplastic syndrome. Identifiers: Orphanet 140162, MedGen C0027672, MeSH D009386, MONDO:0015356.

gnomAD v4.1: 3 of 1,614,092 alleles (0.00019%); highest among the groups gnomAD compares: Non-Finnish European, 0.00025%; no homozygotes.

Submission:

Ambry Genetics
Classification: Uncertain significance for Hereditary cancer-predisposing syndrome. Last evaluated: 2024-08-18. Review status: criteria provided, single submitter. Criteria: Ambry Variant Classification Scheme 2023. Collection method: clinical testing. Allele origin: germline.
Comment: The p.P154L variant (also known as c.461C>T), located in coding exon 3 of the POLD1 gene, results from a C to T substitution at nucleotide position 461. The proline at codon 154 is replaced by leucine, an amino acid with similar properties. This amino acid position is conserved. In addition, this alteration is predicted to be tolerated by in silico analysis. Based on the available evidence, the clinical significance of this variant remains unclear.